The following is an entry in ClinVar:

ClinVar aggregate classification (germline): Conflicting classifications of pathogenicity. Review status: criteria provided, conflicting classifications (1 of 4 stars). 3 submissions from 3 submitters: Uncertain significance (2); Likely benign (1). Last evaluated 2025-01-21.

Conditions:
Bronchiectasis with or without elevated sweat chloride 1 (BESC1). Also called: Cystic Fibrosis-Like Syndrome. Identifiers: Orphanet 60033, MedGen C2749757, MONDO:0008887, OMIM 211400.
Liddle syndrome 1 (LIDLS1). Also called: PSEUDOALDOSTERONISM. Identifiers: Orphanet 526, MedGen CN031472, MONDO:0020607, OMIM 177200.
Pseudohypoaldosteronism, type IB2, autosomal recessive (PHA1B2). Identifiers: MedGen C5774255, MONDO:0859317, OMIM 620125.

Allele frequency attached by ClinVar (database versions not stated): ExAC 0.00018; gnomAD exomes 0.00018; gnomAD 0.00021; ESP Exome Variant Server 0.00023; TOPMed 0.00023.
gnomAD v4.1: 290 of 1,613,876 alleles (0.018%); highest among the groups gnomAD compares: East Asian, 0.056%; no homozygotes.

Submissions (3):

Labcorp Genetics (formerly Invitae), Labcorp
Classification: Uncertain significance. Last evaluated: 2025-01-21. Review status: criteria provided, single submitter. Criteria: Invitae Variant Classification Sherloc (09022015). Collection method: clinical testing. Allele origin: germline.
Comment: This sequence change replaces serine, which is neutral and polar, with leucine, which is neutral and non-polar, at codon 286 of the SCNN1B protein (p.Ser286Leu). This variant is present in population databases (rs142531781, gnomAD 0.08%). This variant has not been reported in the literature in individuals affected with SCNN1B-related conditions. ClinVar contains an entry for this variant (Variation ID: 2712730). Invitae Evidence Modeling of protein sequence and biophysical properties (such as structural, functional, and spatial information, amino acid conservation, physicochemical variation, residue mobility, and thermodynamic stability) indicates that this missense variant is not expected to disrupt SCNN1B protein function with a negative predictive value of 80%. In summary, the available evidence is currently insufficient to determine the role of this variant in disease. Therefore, it has been classified as a Variant of Uncertain Significance.

Blueprint Genetics
Classification: Likely benign. Last evaluated: 2024-08-28. Review status: criteria provided, single submitter. Criteria: ACMG Guidelines, 2015. Collection method: clinical testing. Allele origin: germline.

Fulgent Genetics
Classification: Uncertain significance for Liddle syndrome 1; Bronchiectasis with or without elevated sweat chloride 1; Pseudohypoaldosteronism, type IB2, autosomal recessive. Last evaluated: 2024-04-29. Review status: criteria provided, single submitter. Criteria: ACMG Guidelines, 2015. Collection method: clinical testing. Allele origin: germline.

NM_000336.3(SCNN1B):c.857C>T (p.Ser286Leu)

Gene: SCNN1B (sodium channel epithelial 1 subunit beta; plus strand). Cytogenetic location: 16p12.2.
Variant type: single nucleotide variant.
Coding change: c.857C>T on transcript NM_000336.3 (MANE Select); coding-DNA position 857, C replaced by T.
Protein change: p.Ser286Leu; replaces serine 286 with leucine.
Molecular consequence: missense variant.
Genome position (GRCh38, 1-based): chr16:23,367,936, C>T. VCF-style: chr16-23367936-C-T. GRCh37 (hg19) VCF-style: chr16-23379257-C-T.
Other names: c.857C>T, p.Ser286Leu (NM_001410900.1); short protein forms S286L.
Identifiers: ClinVar variation 2712730 (VCV002712730.5), dbSNP rs142531781, ClinGen allele CA7960270.
Genomic context (GRCh38, chr16:23,367,936, plus strand): 5'-ACCCTCACTATGGCAACTGTTACATCTTCAACTGGGGCATGACAGAGAAGGCACTTCCTT[C>T]GGCCAACCCTGGAACTGAATTCGGTGAGTTTTGGTTTATCGTGGGGCCAGAGCCATGAGG-3'
Protein context (NP_000327.2, residues 276-296): NWGMTEKALP[Ser286Leu]ANPGTEFGLK